The following is an entry in ClinVar:

ClinVar aggregate classification (germline): Uncertain significance. Review status: criteria provided, multiple submitters, no conflicts (2 of 4 stars). 2 submissions from 2 submitters: Uncertain significance (2). Last evaluated 2025-02-09.

Conditions:
Distal myopathy with posterior leg and anterior hand involvement. Also called: WILLIAMS DISTAL MYOPATHY. Identifiers: Orphanet 63273, MedGen C3279722, MONDO:0013550, OMIM 614065.
Hypertrophic cardiomyopathy 26. Also called: Cardiomyopathy, familial hypertrophic, 26. Identifiers: Orphanet 75249, MedGen C4310749, MONDO:0014883, OMIM 617047.
Myofibrillar myopathy 5. Also called: FILAMINOPATHY, AUTOSOMAL DOMINANT; Filaminopathy (type). Identifiers: Orphanet 171445, MedGen C1836050, MONDO:0012289, OMIM 609524.
Cardiovascular phenotype. Identifiers: MedGen CN230736.

Submissions (2):

Labcorp Genetics (formerly Invitae), Labcorp
Classification: Uncertain significance for Distal myopathy with posterior leg and anterior hand involvement; Myofibrillar myopathy 5; Hypertrophic cardiomyopathy 26. Last evaluated: 2025-02-09. Review status: criteria provided, single submitter. Criteria: Invitae Variant Classification Sherloc (09022015). Collection method: clinical testing. Allele origin: germline.
Comment: This sequence change falls in intron 9 of the FLNC gene. It does not directly change the encoded amino acid sequence of the FLNC protein. It affects a nucleotide within the consensus splice site. This variant is not present in population databases (gnomAD no frequency). This variant has not been reported in the literature in individuals affected with FLNC-related conditions. ClinVar contains an entry for this variant (Variation ID: 2450902). Variants that disrupt the consensus splice site are a relatively common cause of aberrant splicing (PMID: 17576681, 9536098). Algorithms developed to predict the effect of sequence changes on RNA splicing suggest that this variant may disrupt the consensus splice site. In summary, the available evidence is currently insufficient to determine the role of this variant in disease. Therefore, it has been classified as a Variant of Uncertain Significance.

Ambry Genetics
Classification: Uncertain significance for Cardiovascular phenotype. Last evaluated: 2023-02-18. Review status: criteria provided, single submitter. Criteria: Ambry Variant Classification Scheme 2023. Collection method: clinical testing. Allele origin: germline.
Comment: The c.1549+5G>A intronic variant results from a G to A substitution 5 nucleotides after coding exon 9 in the FLNC gene. This nucleotide position is highly conserved in available vertebrate species. In silico splice site analysis predicts that this alteration will weaken the native splice donor site and will result in the creation or strengthening of a novel splice donor site. Since supporting evidence is limited at this time, the clinical significance of this alteration remains unclear.

Literature cited by the submitters: PubMed 17576681 (cited by Labcorp Genetics (formerly Invitae), Labcorp); PubMed 9536098 (cited by Labcorp Genetics (formerly Invitae), Labcorp).

NM_001458.5(FLNC):c.1549+5G>A

Gene: FLNC (filamin C; plus strand). Cytogenetic location: 7q32.1.
Variant type: single nucleotide variant.
Coding change: c.1549+5G>A on transcript NM_001458.5 (MANE Select); 5 bases into the intron after coding-DNA position 1549, G replaced by A.
Molecular consequence: intron variant.
Genome position (GRCh38, 1-based): chr7:128,840,165, G>A. VCF-style: chr7-128840165-G-A. GRCh37 (hg19) VCF-style: chr7-128480219-G-A.
Other names: c.1549+5G>A (NM_001127487.2).
Identifiers: ClinVar variation 2450902 (VCV002450902.3), dbSNP rs2536624987, ClinGen allele CA2580076620.